The following is an entry in ClinVar:

NM_004937.3(CTNS):c.226-13dup

Genes: CTNS-AS1 (CTNS antisense RNA 1; minus strand), CTNS (cystinosin, lysosomal cystine transporter; plus strand). Cytogenetic location: 17p13.2.
Variant type: Duplication.
Coding change: c.226-13dup on transcript NM_004937.3 (MANE Select); 13 bases into the intron before coding-DNA position 226, one base duplicated (G; older notation c.226-13dupG).
Molecular consequence: intron variant.
Genome position (GRCh38, 1-based): chr17:3,654,985, G duplicated. VCF-style (leftmost placement, unchanged base first): chr17-3654984-A-AG. GRCh37 (hg19) VCF-style: chr17-3558278-A-AG.
Other names: c.226-13dup (NM_001031681.3, NM_001374492.1); c.-216-13dup (NM_001374493.1, NM_001374495.1, NM_001374494.1 and 1 more transcripts).
Identifiers: ClinVar variation 2037264 (VCV002037264.4), dbSNP rs2507741261, ClinGen allele CA2580093510.

ClinVar aggregate classification (germline): Uncertain significance (1 of 4 stars; one submission).

Conditions:
Inborn genetic diseases. Identifiers: MedGen C0950123, MeSH D030342.
Ocular cystinosis. Also called: Non-Nephropathic Cystinosis; Non-Nephropathic (Ocular) Cystinosis. Identifiers: Orphanet 213, Orphanet 411641, MedGen C2931013, MONDO:0009064, OMIM 219750.
Juvenile nephropathic cystinosis. Also called: Intermediate Cystinosis; CYSTINOSIS, LATE-ONSET JUVENILE OR ADOLESCENT NEPHROPATHIC TYPE; Later-Onset (Juvenile) Cystinosis. Identifiers: Orphanet 213, Orphanet 411634, MedGen C0268626, MONDO:0009066, OMIM 219900.

Submission:

Labcorp Genetics (formerly Invitae), Labcorp
Classification: Uncertain significance for Inborn genetic diseases; Ocular cystinosis; Juvenile nephropathic cystinosis. Last evaluated: 2021-12-08. Review status: criteria provided, single submitter. Criteria: Invitae Variant Classification Sherloc (09022015). Collection method: clinical testing. Allele origin: germline.
Comment: This variant has not been reported in the literature in individuals affected with CTNS-related conditions. In summary, the available evidence is currently insufficient to determine the role of this variant in disease. Therefore, it has been classified as a Variant of Uncertain Significance. Algorithms developed to predict the effect of sequence changes on RNA splicing suggest that this variant may create or strengthen a splice site. This variant is not present in population databases (gnomAD no frequency). This sequence change falls in intron 5 of the CTNS gene. It does not directly change the encoded amino acid sequence of the CTNS protein.